The following is an entry in ClinVar:

NM_024675.4(PALB2):c.3430C>G (p.Leu1144Val)

Gene: PALB2 (partner and localizer of BRCA2; minus strand). Cytogenetic location: 16p12.2.
Variant type: single nucleotide variant.
Coding change: c.3430C>G on transcript NM_024675.4 (MANE Select); coding-DNA position 3430, C replaced by G.
Protein change: p.Leu1144Val; replaces leucine 1144 with valine.
Molecular consequence: missense variant.
Genome position (GRCh38, 1-based): chr16:23,603,590, G>C on the plus strand (C>G on the coding strand, the complement: PALB2 is on the minus strand). VCF-style: chr16-23603590-G-C. GRCh37 (hg19) VCF-style: chr16-23614911-G-C.
Other names: short protein forms L1144V.
Identifiers: ClinVar variation 999967 (VCV000999967.13), dbSNP rs1966401863, ClinGen allele CA395138175.

ClinVar aggregate classification (germline): Uncertain significance. Review status: criteria provided, multiple submitters, no conflicts (2 of 4 stars). 3 submissions from 3 submitters: Uncertain significance (3). Last evaluated 2025-05-28.

Conditions:
Hereditary cancer-predisposing syndrome. Also called: Neoplastic Syndromes, Hereditary; Tumor predisposition; Hereditary Cancer Syndrome; Hereditary neoplastic syndrome. Identifiers: Orphanet 140162, MedGen C0027672, MeSH D009386, MONDO:0015356.
Familial cancer of breast. Also called: Hereditary breast cancer; hereditary breast carcinoma; BREAST CANCER, FAMILIAL. Identifiers: Orphanet 227535, MedGen C0346153, MONDO:0016419, OMIM 114480. Disease mechanism: loss of function.

Allele frequency attached by ClinVar (database versions not stated): gnomAD exomes below 0.00001.
gnomAD v4.1: 4 of 1,614,132 alleles (0.00025%); highest among the groups gnomAD compares: Non-Finnish European, 0.00034%; no homozygotes.

Submissions (3):

Labcorp Genetics (formerly Invitae), Labcorp
Classification: Uncertain significance for Familial cancer of breast. Last evaluated: 2025-05-28. Review status: criteria provided, single submitter. Criteria: Invitae Variant Classification Sherloc (09022015). Collection method: clinical testing. Allele origin: germline.
Comment: This sequence change replaces leucine, which is neutral and non-polar, with valine, which is neutral and non-polar, at codon 1144 of the PALB2 protein (p.Leu1144Val). This variant is not present in population databases (gnomAD no frequency). This variant has not been reported in the literature in individuals affected with PALB2-related conditions. ClinVar contains an entry for this variant (Variation ID: 999967). An algorithm developed to predict the effect of missense changes on protein structure and function (PolyPhen-2) suggests that this variant is likely to be disruptive. In summary, the available evidence is currently insufficient to determine the role of this variant in disease. Therefore, it has been classified as a Variant of Uncertain Significance.

Color Diagnostics, LLC DBA Color Health
Classification: Uncertain significance for Hereditary cancer-predisposing syndrome. Last evaluated: 2025-03-31. Review status: criteria provided, single submitter. Criteria: ACMG Guidelines, 2015. Collection method: clinical testing. Allele origin: germline.
Comment: This missense variant replaces leucine with valine at codon 1144 of the PALB2 protein. Computational prediction suggests that this variant may not impact protein structure and function. To our knowledge, functional studies have not been reported for this variant. This variant has not been reported in individuals affected with PALB2-related disorders in the literature. This variant has not been identified in the general population by the Genome Aggregation Database (gnomAD). The available evidence is insufficient to determine the role of this variant in disease conclusively. Therefore, this variant is classified as a Variant of Uncertain Significance.

Ambry Genetics
Classification: Uncertain significance for Hereditary cancer-predisposing syndrome. Last evaluated: 2023-11-30. Review status: criteria provided, single submitter. Criteria: Ambry Variant Classification Scheme 2023. Collection method: clinical testing. Allele origin: germline.
Comment: The p.L1144V variant (also known as c.3430C>G), located in coding exon 13 of the PALB2 gene, results from a C to G substitution at nucleotide position 3430. The leucine at codon 1144 is replaced by valine, an amino acid with highly similar properties. This amino acid position is not well conserved in available vertebrate species. In addition, this alteration is predicted to be tolerated by in silico analysis. Since supporting evidence is limited at this time, the clinical significance of this alteration remains unclear.